The following is an entry in ClinVar:

NM_020987.5(ANK3):c.9023A>G (p.His3008Arg)

Gene: ANK3 (ankyrin 3; minus strand). Cytogenetic location: 10q21.2.
Variant type: single nucleotide variant.
Coding change: c.9023A>G on transcript NM_020987.5 (MANE Select); coding-DNA position 9023, A replaced by G.
Protein change: p.His3008Arg; replaces histidine 3008 with arginine.
Molecular consequence: missense variant. On other transcripts: intron variant (4).
Genome position (GRCh38, 1-based): chr10:60,071,858, T>C on the plus strand (A>G on the coding strand, the complement: ANK3 is on the minus strand). VCF-style: chr10-60071858-T-C. GRCh37 (hg19) VCF-style: chr10-61831616-T-C.
Other names: c.9023A>G (NM_020987.3); c.4388-3849A>G (NM_001204403.2); c.4409-3849A>G (NM_001204404.2); c.4406-3849A>G (NM_001320874.2); c.1808-3849A>G (NM_001149.4); short protein forms H3008R.
Identifiers: ClinVar variation 2895878 (VCV002895878.4), dbSNP rs763095806, ClinGen allele CA5511454.

ClinVar aggregate classification (germline): Uncertain significance. Review status: criteria provided, multiple submitters, no conflicts (2 of 4 stars). 2 submissions from 2 submitters: Uncertain significance (2). Last evaluated 2023-12-05.

Conditions:
Inborn genetic diseases. Identifiers: MedGen C0950123, MeSH D030342.

Allele frequency attached by ClinVar (database versions not stated): ExAC 0.00003; TOPMed 0.00005; gnomAD 0.00006; gnomAD exomes 0.00008.
gnomAD v4.1: 117 of 1,613,846 alleles (0.0072%); highest among the groups gnomAD compares: Non-Finnish European, 0.0094%; no homozygotes.

Submissions (2):

Labcorp Genetics (formerly Invitae), Labcorp
Classification: Uncertain significance. Last evaluated: 2023-12-05. Review status: criteria provided, single submitter. Criteria: Invitae Variant Classification Sherloc (09022015). Collection method: clinical testing. Allele origin: germline.
Comment: This sequence change replaces histidine, which is basic and polar, with arginine, which is basic and polar, at codon 3008 of the ANK3 protein (p.His3008Arg). This variant is present in population databases (rs763095806, gnomAD 0.008%). This variant has not been reported in the literature in individuals affected with ANK3-related conditions. Advanced modeling of protein sequence and biophysical properties (such as structural, functional, and spatial information, amino acid conservation, physicochemical variation, residue mobility, and thermodynamic stability) performed at Invitae indicates that this missense variant is not expected to disrupt ANK3 protein function with a negative predictive value of 80%. In summary, the available evidence is currently insufficient to determine the role of this variant in disease. Therefore, it has been classified as a Variant of Uncertain Significance.

Ambry Genetics
Classification: Uncertain significance for Inborn genetic diseases. Last evaluated: 2023-10-14. Review status: criteria provided, single submitter. Criteria: Ambry Variant Classification Scheme 2023. Collection method: clinical testing. Allele origin: germline.